The following is an entry in ClinVar:

NM_152906.7(TANGO2):c.623C>A (p.Ala208Asp)

Gene: TANGO2 (transport and golgi organization 2 homolog; plus strand). Cytogenetic location: 22q11.21.
Variant type: single nucleotide variant.
Coding change: c.623C>A on transcript NM_152906.7 (MANE Select); coding-DNA position 623, C replaced by A.
Protein change: p.Ala208Asp; replaces alanine 208 with aspartic acid.
Molecular consequence: missense variant. On other transcripts: synonymous variant (5), non-coding transcript variant (5), intron variant (1).
Genome position (GRCh38, 1-based): chr22:20,063,355, C>A. VCF-style: chr22-20063355-C-A. GRCh37 (hg19) VCF-style: chr22-20050878-C-A.
Other names: c.623C>A, p.Ala208Asp (NM_001283106.3, NM_001283116.3, NM_001322142.2); c.746C>A, p.Ala249Asp (NM_001283129.3, NM_001322141.2, NM_001322143.2); c.621C>A, p.Gly207= (NM_001283148.3, NM_001283154.3); c.437C>A, p.Ala146Asp (NM_001283179.3, NM_001283186.3, NM_001322163.2 and 2 more transcripts); c.398C>A, p.Ala133Asp (NM_001283199.3); c.329C>A, p.Ala110Asp (NM_001283235.3, NM_001322150.2, NM_001322153.2 and 6 more transcripts); c.283C>A, p.Pro95Thr (NM_001283248.3); c.744C>A, p.Gly248= (NM_001322144.2); and 5 more; short protein forms A133D, A174D, A110D, A208D, A249D, A146D, A187D, P95T.
Identifiers: ClinVar variation 1977087 (VCV001977087.2), dbSNP rs2048734408, ClinGen allele CA410700241.

ClinVar aggregate classification (germline): Uncertain significance (1 of 4 stars; one submission).

Allele frequency attached by ClinVar (database versions not stated): gnomAD exomes below 0.00001; gnomAD 0.00001.
gnomAD v4.1: 4 of 1,613,256 alleles (0.00025%); highest among the groups gnomAD compares: Admixed American, 0.005%; no homozygotes.

Submission:

Labcorp Genetics (formerly Invitae), Labcorp
Classification: Uncertain significance. Last evaluated: 2022-07-14. Review status: criteria provided, single submitter. Criteria: Invitae Variant Classification Sherloc (09022015). Collection method: clinical testing. Allele origin: germline.
Comment: This sequence change replaces alanine, which is neutral and non-polar, with aspartic acid, which is acidic and polar, at codon 208 of the TANGO2 protein (p.Ala208Asp). This variant is not present in population databases (gnomAD no frequency). This variant has not been reported in the literature in individuals affected with TANGO2-related conditions. Algorithms developed to predict the effect of missense changes on protein structure and function are either unavailable or do not agree on the potential impact of this missense change (SIFT: "Not Available"; PolyPhen-2: "Probably Damaging"; Align-GVGD: "Not Available"). In summary, the available evidence is currently insufficient to determine the role of this variant in disease. Therefore, it has been classified as a Variant of Uncertain Significance.